The following is an entry in ClinVar:

ClinVar aggregate classification (germline): Pathogenic (1 of 4 stars; one submission).

Conditions:
Hereditary breast ovarian cancer syndrome. Also called: BRCA1- and BRCA2-Associated Hereditary Breast and Ovarian Cancer; Hereditary breast and ovarian cancer; Hereditary breast and ovarian cancer syndrome (HBOC); Hereditary breast and/or ovarian cancer syndrome; Hereditary breast and ovarian cancer syndrome; Breast and ovarian cancer. Identifiers: Orphanet 145, MedGen C0677776, MeSH D061325, MONDO:0003582. Disease mechanism: loss of function.

Submission:

Genetics and Personalized Medicine Clinic, Tartu University Hospital
Classification: Pathogenic for Hereditary breast ovarian cancer syndrome. Last evaluated: 2019-01-01. Review status: criteria provided, single submitter. Criteria: ACMG Guidelines, 2015. Collection method: clinical testing. Allele origin: germline. Affected: yes. Observed: 1 variant allele.
Comment: BRIDGES database odd ratio 10.57 (8.02-13.93).

NM_007294.4(BRCA1):c.5534_5539del (p.Tyr1845_Gln1846del)

Gene: BRCA1 (BRCA1 DNA repair associated; minus strand). Cytogenetic location: 17q21.31.
Variant type: Deletion.
Coding change: c.5534_5539del on transcript NM_007294.4 (MANE Select); coding-DNA positions 5534 to 5539, 6 bases deleted (ACCAGT; older notation c.5534_5539delACCAGT).
Protein change: p.Tyr1845_Gln1846del.
Molecular consequence: inframe deletion. On other transcripts: 3 prime UTR variant (17).
Genome position (GRCh38, 1-based): chr17:43,045,731-43,045,736, ACTGGT deleted on the plus strand (ACCAGT on the coding strand, the reverse complement: BRCA1 is on the minus strand); deleting any 6 consecutive bases within chr17:43,045,731-43,045,737 gives the same sequence; the c. name uses the placement nearest the transcript's 3' end. VCF-style (leftmost placement, unchanged base first): chr17-43045730-CACTGGT-C. GRCh37 (hg19) VCF-style: chr17-41197747-CACTGGT-C.
Other names: c.5387_5392del, p.Tyr1796_Gln1797del (NM_001407851.1, NM_001407852.1, NM_001407853.1 and 12 more transcripts); c.*48_*53del (NM_001407854.1, NM_001407858.1, NM_001408472.1 and 14 more transcripts); c.2096_2101del, p.Tyr699_Gln700del (NM_001408450.1, NM_001408445.1, NM_001408446.1 and 2 more transcripts); c.2090_2095del, p.Tyr697_Gln698del (NM_001408451.1); c.2084_2089del, p.Tyr695_Gln696del (NM_001408452.1, NM_001408453.1, NM_001408454.1 and 3 more transcripts); c.2081_2086del, p.Tyr694_Gln695del (NM_001408458.1, NM_001408459.1, NM_001408460.1 and 7 more transcripts); c.2078_2083del, p.Tyr693_Gln694del (NM_001408468.1, NM_001408469.1, NM_001408470.1); c.2024_2029del, p.Tyr675_Gln676del (NM_001408474.1); and 74 more.
Identifiers: ClinVar variation 4082399 (VCV004082399.1).
Genomic context (GRCh38, chr17:43,045,730, plus strand): 5'-GGCTGCAGTCAGTAGTGGCTGTGGGGGATCTGGGGTATCAGGTAGGTGTCCAGCTCCTGG[CACTGGT>C]AGAGTGCTACACTGTCCAACACCCACTCTCGGGTCACCACAGGTGCCTCACACATCTGCC-3'